The following is an entry in ClinVar:

ClinVar aggregate classification (germline): Uncertain significance (1 of 4 stars; one submission).

Allele frequency attached by ClinVar (database versions not stated): ExAC 0.00001; gnomAD exomes 0.00002; TOPMed 0.00002; gnomAD 0.00003; ESP Exome Variant Server 0.00008.
gnomAD v4.1: 34 of 1,613,616 alleles (0.0021%); highest among the groups gnomAD compares: African/African-American, 0.0067%; no homozygotes.

Submission:

Labcorp Genetics (formerly Invitae), Labcorp
Classification: Uncertain significance. Last evaluated: 2021-05-19. Review status: criteria provided, single submitter. Criteria: Invitae Variant Classification Sherloc (09022015). Collection method: clinical testing. Allele origin: germline.
Comment: In summary, the available evidence is currently insufficient to determine the role of this variant in disease. Therefore, it has been classified as a Variant of Uncertain Significance. Algorithms developed to predict the effect of missense changes on protein structure and function are either unavailable or do not agree on the potential impact of this missense change (SIFT: "Deleterious"; PolyPhen-2: "Possibly Damaging"; Align-GVGD: "Class C0"). This variant has not been reported in the literature in individuals with RHOBTB2-related conditions. This variant is present in population databases (rs374511325, ExAC 0.01%). This sequence change replaces alanine with threonine at codon 535 of the RHOBTB2 protein (p.Ala535Thr). The alanine residue is highly conserved and there is a small physicochemical difference between alanine and threonine.

NM_015178.3(RHOBTB2):c.1537G>A (p.Ala513Thr)

Gene: RHOBTB2 (Rho related BTB domain containing 2; plus strand). Cytogenetic location: 8p21.3.
Variant type: single nucleotide variant.
Coding change: c.1537G>A on transcript NM_015178.3 (MANE Select); coding-DNA position 1537, G replaced by A.
Protein change: p.Ala513Thr; replaces alanine 513 with threonine.
Molecular consequence: missense variant.
Genome position (GRCh38, 1-based): chr8:23,008,028, G>A. VCF-style: chr8-23008028-G-A. GRCh37 (hg19) VCF-style: chr8-22865541-G-A.
Other names: c.1603G>A, p.Ala535Thr (NM_001160036.2); c.1558G>A, p.Ala520Thr (NM_001160037.2); c.1537G>A, p.Ala513Thr (NM_001374791.1); short protein forms A520T, A535T, A513T.
Identifiers: ClinVar variation 1434393 (VCV001434393.8), dbSNP rs374511325, ClinGen allele CA4672692.